The following is an entry in ClinVar:

NM_001374736.1(DST):c.15091C>A (p.Leu5031Ile)

Gene: DST (dystonin; minus strand). Cytogenetic location: 6p12.1.
Variant type: single nucleotide variant.
Coding change: c.15091C>A on transcript NM_001374736.1 (MANE Select); coding-DNA position 15091, C replaced by A.
Protein change: p.Leu5031Ile; replaces leucine 5031 with isoleucine.
Molecular consequence: missense variant.
Genome position (GRCh38, 1-based): chr6:56,555,390, G>T on the plus strand (C>A on the coding strand, the complement: DST is on the minus strand). VCF-style: chr6-56555390-G-T. GRCh37 (hg19) VCF-style: chr6-56420188-G-T.
Other names: c.8734C>A, p.Leu2912Ile (NM_001144769.5); c.8320C>A, p.Leu2774Ile (NM_001144770.2); c.15091C>A, p.Leu5031Ile (NM_001374722.1); c.14458C>A, p.Leu4820Ile (NM_001374729.1); c.8200C>A, p.Leu2734Ile (NM_001374730.1, NM_001386100.1, NM_183380.4); c.15118C>A, p.Leu5040Ile (NM_001374734.1); c.7222C>A, p.Leu2408Ile (NM_015548.5); short protein forms L2408I, L2774I, L5040I, L2734I, L4820I, L2912I, L5031I.
Identifiers: ClinVar variation 2103482 (VCV002103482.4), dbSNP rs2097397811, ClinGen allele CA364518517.
Genomic context (GRCh38, chr6:56,555,390, plus strand): 5'-TAAAAGTAGACAAACCTGCTTTCTGTTCAACATCCTTAAATGATTTTAAGATGCCTTCTA[G>T]TTGCCTACTAAGTTCTGCTTTCAAGTACTCTTCTTTAACCAGTGCTGACAAATCCTCACA-3'
Protein context (NP_001361665.1, residues 5021-5041): EYLKAELSRQ[Leu5031Ile]EGILKSFKDV

ClinVar aggregate classification (germline): Uncertain significance (1 of 4 stars; one submission).

Conditions:
Hereditary sensory and autonomic neuropathy type 6. Also called: HSAN VI; Neuropathy, hereditary sensory and autonomic, type VI. Identifiers: Orphanet 314381, MedGen C3539003, MONDO:0013839, OMIM 614653.
Epidermolysis bullosa simplex 3, localized or generalized intermediate, with BP230 deficiency (EBS3). Also called: Epidermolysis bullosa simplex due to BP230 deficiency; Epidermolysis bullosa simplex, autosomal recessive 2. Identifiers: Orphanet 412181, MedGen C3809470, MONDO:0014180, OMIM 615425.

Submission:

Labcorp Genetics (formerly Invitae), Labcorp
Classification: Uncertain significance for Epidermolysis bullosa simplex 3, localized or generalized intermediate, with BP230 deficiency; Hereditary sensory and autonomic neuropathy type 6. Last evaluated: 2022-02-25. Review status: criteria provided, single submitter. Criteria: Invitae Variant Classification Sherloc (09022015). Collection method: clinical testing. Allele origin: germline.
Comment: This variant has not been reported in the literature in individuals affected with DST-related conditions. Experimental studies and prediction algorithms are not available or were not evaluated, and the functional significance of this variant is currently unknown. In summary, the available evidence is currently insufficient to determine the role of this variant in disease. Therefore, it has been classified as a Variant of Uncertain Significance. This variant is not present in population databases (gnomAD no frequency). The DST gene has multiple clinically relevant transcripts. This variant occurs in alternate transcript NM_015548.4, and corresponds to NM_001723.5:c.*60127C>A in the primary transcript. This sequence change replaces leucine, which is neutral and non-polar, with isoleucine, which is neutral and non-polar, at codon 2408 of the DST protein (p.Leu2408Ile).